The following is an entry in ClinVar:

NM_206933.4(USH2A):c.4996C>T (p.Gln1666Ter)

Genes: USH2A (usherin; minus strand), USH2A-AS2 (USH2A antisense RNA 2; plus strand). Cytogenetic location: 1q41.
Variant type: single nucleotide variant.
Coding change: c.4996C>T on transcript NM_206933.4 (MANE Select); coding-DNA position 4996, C replaced by T.
Protein change: p.Gln1666Ter; replaces glutamine 1666 with a stop codon.
Molecular consequence: nonsense.
Genome position (GRCh38, 1-based): chr1:216,084,869, G>A on the plus strand (C>T on the coding strand, the complement: USH2A is on the minus strand). VCF-style: chr1-216084869-G-A. GRCh37 (hg19) VCF-style: chr1-216258211-G-A.
Other names: short protein forms Q1666*.
Identifiers: ClinVar variation 4715775 (VCV004715775.1).
Genomic context (GRCh38, chr1:216,084,869, plus strand): 5'-CTGACGGATTGTAATTCTTCATAAAATGTACATCCTTGAGACAGCCCACAAAACCTTTTT[G>A]GATTATCTCTGCAGGAGTTTATAGATATCAAGAAATATATATTTTGAAAGATTATTTTCA-3'

ClinVar aggregate classification (germline): Pathogenic (1 of 4 stars; one submission).

Submission:

Labcorp Genetics (formerly Invitae), Labcorp
Classification: Pathogenic. Last evaluated: 2025-12-23. Review status: criteria provided, single submitter. Criteria: Invitae Variant Classification Sherloc (09022015). Collection method: clinical testing. Allele origin: germline.
Comment: This sequence change creates a premature translational stop signal (p.Gln1666*) in the USH2A gene. It is expected to result in an absent or disrupted protein product. Loss-of-function variants in USH2A are known to be pathogenic (PMID: 10729113, 10909849, 20507924, 25649381). This variant is not present in population databases (gnomAD no frequency). This variant has not been reported in the literature in individuals affected with USH2A-related conditions. Algorithms developed to predict the effect of sequence changes on RNA splicing suggest that this variant may disrupt the consensus splice site. For these reasons, this variant has been classified as Pathogenic.

Literature cited by the submitters: PubMed 10729113; PubMed 10909849; PubMed 20507924; PubMed 25649381.